The following is an entry in ClinVar:

NM_001376.5(DYNC1H1):c.13219-2A>G

Gene: DYNC1H1 (dynein cytoplasmic 1 heavy chain 1; plus strand). Cytogenetic location: 14q32.31.
Variant type: single nucleotide variant.
Coding change: c.13219-2A>G on transcript NM_001376.5 (MANE Select); the canonical splice acceptor site of the intron before coding-DNA position 13219, A replaced by G.
Molecular consequence: splice acceptor variant.
Genome position (GRCh38, 1-based): chr14:102,048,514, A>G. VCF-style: chr14-102048514-A-G. GRCh37 (hg19) VCF-style: chr14-102514851-A-G.
Identifiers: ClinVar variation 1312730 (VCV001312730.2), dbSNP rs2152600482, ClinGen allele CA391047651.
Genomic context (GRCh38, chr14:102,048,514, plus strand): 5'-GACCTTTACACTGGAGAAAGGACCTCTTCCTAACTTCTCTTCACCCTTTTGAACGATTTT[A>G]GGATCCTTTGTTCAGGTTCTTTGAGAGAGAAGTGAAGATGGGCGCAAAGCTGCTTCAGGA-3'

ClinVar aggregate classification (germline): Uncertain significance (1 of 4 stars; one submission).

Submission:

GeneDx
Classification: Uncertain significance. Last evaluated: 2020-06-25. Review status: criteria provided, single submitter. Criteria: GeneDx Variant Classification Process June 2021. Collection method: clinical testing. Allele origin: germline. Affected: yes.
Comment: Not observed in large population cohorts (Lek et al., 2016); Canonical splice site variant in a gene for which loss-of-function is not a known mechanism of disease; Has not been previously published as pathogenic or benign to our knowledge